The following is an entry in ClinVar:

NM_005591.4(MRE11):c.668A>T (p.His223Leu)

Gene: MRE11 (MRE11 double strand break repair nuclease; minus strand). Cytogenetic location: 11q21.
Variant type: single nucleotide variant.
Coding change: c.668A>T on transcript NM_005591.4 (MANE Select); coding-DNA position 668, A replaced by T.
Protein change: p.His223Leu; replaces histidine 223 with leucine.
Molecular consequence: missense variant.
Genome position (GRCh38, 1-based): chr11:94,471,751, T>A on the plus strand (A>T on the coding strand, the complement: MRE11 is on the minus strand). VCF-style: chr11-94471751-T-A. GRCh37 (hg19) VCF-style: chr11-94204917-T-A.
Other names: c.668A>T, p.His223Leu (NM_001330347.2, NM_005590.4); c.668A>T (NM_005591.3); short protein forms H223L.
Identifiers: ClinVar variation 1681610 (VCV001681610.8), dbSNP rs1170382104, ClinGen allele CA382375946.
Genomic context (GRCh38, chr11:94,471,751, plus strand): 5'-CAGATAACAAGATCAATGAAGTCATCCAAAAATTGTTCTGGAATGAAGTTAGTACTTCCA[T>A]GTTTACTCCTGTATCAAGATTTTGAAAAATATAAATTCGGTGATTAGAAAAATTTCATAT-3'
Protein context (NP_005582.1, residues 213-233): LFVIHQNRSK[His223Leu]GSTNFIPEQF

ClinVar aggregate classification (germline): Uncertain significance. Review status: criteria provided, multiple submitters, no conflicts (2 of 4 stars). 2 submissions from 2 submitters: Uncertain significance (2). Last evaluated 2025-11-20.

Conditions:
Ataxia-telangiectasia-like disorder (ATLD). Identifiers: MedGen C1858391, MONDO:0011457.
Hereditary cancer-predisposing syndrome. Also called: Hereditary neoplastic syndrome; Neoplastic Syndromes, Hereditary; Tumor predisposition; Hereditary Cancer Syndrome. Identifiers: Orphanet 140162, MedGen C0027672, MeSH D009386, MONDO:0015356.

gnomAD v4.1: 1 of 1,610,418 alleles (0.000062%); highest among the groups gnomAD compares: Non-Finnish European, 0.000085%; no homozygotes.

Submissions (2):

Ambry Genetics
Classification: Uncertain significance for Hereditary cancer-predisposing syndrome. Last evaluated: 2025-11-20. Review status: criteria provided, single submitter. Criteria: Ambry Variant Classification Scheme 2023. Collection method: clinical testing. Allele origin: germline.

Labcorp Genetics (formerly Invitae), Labcorp
Classification: Uncertain significance for Ataxia-telangiectasia-like disorder. Last evaluated: 2021-10-20. Review status: criteria provided, single submitter. Criteria: Invitae Variant Classification Sherloc (09022015). Collection method: clinical testing. Allele origin: germline.
Comment: In summary, the available evidence is currently insufficient to determine the role of this variant in disease. Therefore, it has been classified as a Variant of Uncertain Significance. Algorithms developed to predict the effect of missense changes on protein structure and function (SIFT, PolyPhen-2, Align-GVGD) all suggest that this variant is likely to be disruptive. This variant has not been reported in the literature in individuals affected with MRE11-related conditions. This variant is not present in population databases (ExAC no frequency). This sequence change replaces histidine with leucine at codon 223 of the MRE11 protein (p.His223Leu). The histidine residue is highly conserved and there is a moderate physicochemical difference between histidine and leucine.